The following is an entry in ClinVar:

NM_003998.4(NFKB1):c.2121_2122delinsTT (p.Glu708Ter)

Gene: NFKB1 (nuclear factor kappa B subunit 1; plus strand). Cytogenetic location: 4q24.
Variant type: Indel.
Coding change: c.2121_2122delinsTT on transcript NM_003998.4 (MANE Select); coding-DNA positions 2121 to 2122, GG replaced by TT.
Protein change: p.Glu708Ter; replaces glutamic acid 708 with a stop codon.
Molecular consequence: nonsense.
Genome position (GRCh38, 1-based): chr4:102,607,316-102,607,317, GG replaced by TT. VCF-style: chr4-102607316-GG-TT. GRCh37 (hg19) VCF-style: chr4-103528473-GG-TT.
Other names: c.2118_2119delinsTT, p.Glu707Ter (NM_001165412.2, NM_001319226.2, NM_001382627.1); c.2121_2122delinsTT, p.Glu708Ter (NM_001382625.1, NM_001382626.1); c.2079_2080delinsTT, p.Glu694Ter (NM_001382628.1); short protein forms E707*, E708*, E694*.
Identifiers: ClinVar variation 2824602 (VCV002824602.3), dbSNP rs2476544267, ClinGen allele CA2739270197.
Genomic context (GRCh38, chr4:102,607,316, plus strand): 5'-CACAGCACTGCACCTGGCTGTGGAGCACGACAACATCTCATTGGCAGGCTGCCTGCTCCT[GG>TT]AGGTGAAGGGCACACTTATTTGCTTTTGCATTAAATTTCTGAGGGAGATTTAAGGAAATC-3'

ClinVar aggregate classification (germline): Pathogenic (1 of 4 stars; one submission).

Submission:

Labcorp Genetics (formerly Invitae), Labcorp
Classification: Pathogenic. Last evaluated: 2025-04-13. Review status: criteria provided, single submitter. Criteria: Invitae Variant Classification Sherloc (09022015). Collection method: clinical testing. Allele origin: germline.
Comment: This sequence change creates a premature translational stop signal (p.Glu708*) in the NFKB1 gene. It is expected to result in an absent or disrupted protein product. Loss-of-function variants in NFKB1 are known to be pathogenic (PMID: 26279205, 29477724). Information on the frequency of this variant in the gnomAD database is not available, as this variant may be reported differently in the database. This variant has not been reported in the literature in individuals affected with NFKB1-related conditions. ClinVar contains an entry for this variant (Variation ID: 2824602). For these reasons, this variant has been classified as Pathogenic.

Literature cited by the submitters: PubMed 26279205; PubMed 29477724.